The following is an entry in ClinVar:

ClinVar aggregate classification (germline): Likely benign (0 of 4 stars; one submission).

Conditions:
KRT6A-related disorder. Also called: KRT6A-related condition.

Submission:

PreventionGenetics, part of Exact Sciences
Classification: Likely benign for KRT6A-related condition. Last evaluated: 2024-07-10. Review status: no assertion criteria provided. Collection method: clinical testing. Allele origin: germline.
Comment: This variant is classified as likely benign based on ACMG/AMP sequence variant interpretation guidelines (Richards et al. 2015 PMID: 25741868, with internal and published modifications).

NM_005554.4(KRT6A):c.44G>A (p.Arg15His)

Gene: KRT6A (keratin 6A; minus strand). Cytogenetic location: 12q13.13.
Variant type: single nucleotide variant.
Coding change: c.44G>A on transcript NM_005554.4 (MANE Select); coding-DNA position 44, G replaced by A.
Protein change: p.Arg15His; replaces arginine 15 with histidine.
Molecular consequence: missense variant.
Genome position (GRCh38, 1-based): chr12:52,493,145, C>T on the plus strand (G>A on the coding strand, the complement: KRT6A is on the minus strand). VCF-style: chr12-52493145-C-T. GRCh37 (hg19) VCF-style: chr12-52886929-C-T.
Other names: short protein forms R15H.
Identifiers: ClinVar variation 3352799 (VCV003352799.1).